The following is an entry in ClinVar:

NM_025074.7(FRAS1):c.3886T>G (p.Ser1296Ala)

Gene: FRAS1 (Fraser extracellular matrix complex subunit 1; plus strand). Cytogenetic location: 4q21.21.
Variant type: single nucleotide variant.
Coding change: c.3886T>G on transcript NM_025074.7 (MANE Select); coding-DNA position 3886, T replaced by G.
Protein change: p.Ser1296Ala; replaces serine 1296 with alanine.
Molecular consequence: missense variant.
Genome position (GRCh38, 1-based): chr4:78,387,612, T>G. VCF-style: chr4-78387612-T-G. GRCh37 (hg19) VCF-style: chr4-79308766-T-G.
Other names: c.3886T>G, p.Ser1296Ala (NM_001166133.2); short protein forms S1296A.
Identifiers: ClinVar variation 1716977 (VCV001716977.3), dbSNP rs2476965275, ClinGen allele CA357377365.

ClinVar aggregate classification (germline): Uncertain significance (1 of 4 stars; one submission).

Submission:

Labcorp Genetics (formerly Invitae), Labcorp
Classification: Uncertain significance. Last evaluated: 2022-08-19. Review status: criteria provided, single submitter. Criteria: Invitae Variant Classification Sherloc (09022015). Collection method: clinical testing. Allele origin: germline.
Comment: This sequence change replaces serine, which is neutral and polar, with alanine, which is neutral and non-polar, at codon 1296 of the FRAS1 protein (p.Ser1296Ala). This variant is not present in population databases (gnomAD no frequency). This variant has not been reported in the literature in individuals affected with FRAS1-related conditions. Algorithms developed to predict the effect of missense changes on protein structure and function are either unavailable or do not agree on the potential impact of this missense change (SIFT: "Deleterious"; PolyPhen-2: "Benign"; Align-GVGD: "Class C0"). In summary, the available evidence is currently insufficient to determine the role of this variant in disease. Therefore, it has been classified as a Variant of Uncertain Significance.